The following is an entry in ClinVar:

ClinVar aggregate classification (germline): Uncertain significance. Review status: criteria provided, multiple submitters, no conflicts (2 of 4 stars). 3 submissions from 3 submitters: Uncertain significance (3). Last evaluated 2026-02-25.

Conditions:
Congenital myasthenic syndrome 12 (CMS12). Also called: MYASTHENIC SYNDROME, CONGENITAL, WITH TUBULAR AGGREGATES 1; Myasthenia, congenital, 12, with tubular aggregates. Identifiers: Orphanet 353327, Orphanet 590, MedGen C3552335, MONDO:0012518, OMIM 610542.
Inborn genetic diseases. Identifiers: MedGen C0950123, MeSH D030342.

Allele frequency attached by ClinVar (database versions not stated): TOPMed 0.00001; gnomAD 0.00001; ESP Exome Variant Server 0.00008; gnomAD exomes below 0.00001.
gnomAD v4.1: 4 of 1,613,910 alleles (0.00025%); highest among the groups gnomAD compares: Non-Finnish European, 0.00025%; no homozygotes.

Submissions (3):

GeneDx
Classification: Uncertain significance. Last evaluated: 2026-02-25. Review status: criteria provided, single submitter. Criteria: GeneDx Variant Classification Process June 2021. Collection method: clinical testing. Allele origin: germline.
Comment: Not observed at significant frequency in large population cohorts (gnomAD); Missense variants in this gene are a common cause of disease and they are underrepresented in the general population; In silico analysis suggests that this missense variant does not alter protein structure/function; Has not been previously published as pathogenic or benign to our knowledge; This variant is associated with the following publications: (PMID: 23569079)

Labcorp Genetics (formerly Invitae), Labcorp
Classification: Uncertain significance for Congenital myasthenic syndrome 12. Last evaluated: 2023-04-04. Review status: criteria provided, single submitter. Criteria: Invitae Variant Classification Sherloc (09022015). Collection method: clinical testing. Allele origin: germline.
Comment: In summary, the available evidence is currently insufficient to determine the role of this variant in disease. Therefore, it has been classified as a Variant of Uncertain Significance. This sequence change replaces lysine, which is basic and polar, with asparagine, which is neutral and polar, at codon 654 of the GFPT1 protein (p.Lys654Asn). This variant is not present in population databases (gnomAD no frequency). This missense change has been observed in individual(s) with congenital myasthenic syndrome (Invitae). It has also been observed to segregate with disease in related individuals. ClinVar contains an entry for this variant (Variation ID: 473131). Advanced modeling of protein sequence and biophysical properties (such as structural, functional, and spatial information, amino acid conservation, physicochemical variation, residue mobility, and thermodynamic stability) performed at Invitae indicates that this missense variant is not expected to disrupt GFPT1 protein function.

Ambry Genetics
Classification: Uncertain significance for Inborn genetic diseases. Last evaluated: 2020-09-09. Review status: criteria provided, single submitter. Criteria: Ambry Variant Classification Scheme 2023. Collection method: clinical testing. Allele origin: germline.
Comment: The alteration results in an amino acid change:_x000D_ _x000D_ The c.1908G>C (p.K636N) alteration is located in coding exon 18 of the GFPT1 gene. This alteration results from a G to C substitution at nucleotide position 1908, causing the lysine (K) at amino acid position 636 to be replaced by an asparagine (N). The alteration is not observed in population databases: _x000D_ _x000D_ Based on data from the Genome Aggregation Database (gnomAD), the GFPT1 c.1908G>C alteration was not observed, with coverage at this position. The altered amino acid is not conserved throughout evolution:_x000D_ _x000D_ The p.K636 amino acid is not conserved in available vertebrate species, and asparagine is the reference amino acid in multiple species. The alteration is predicted tolerated by in silico modeling:_x000D_ _x000D_ The p.K636N alteration is predicted to be tolerated by in silico analysis. Based on insufficient or conflicting evidence, the clinical significance of this alteration remains unclear.

NM_001244710.2(GFPT1):c.1962G>C (p.Lys654Asn)

Gene: GFPT1 (glutamine--fructose-6-phosphate transaminase 1; minus strand). Cytogenetic location: 2p13.3.
Variant type: single nucleotide variant.
Coding change: c.1962G>C on transcript NM_001244710.2 (MANE Select); coding-DNA position 1962, G replaced by C.
Protein change: p.Lys654Asn; replaces lysine 654 with asparagine.
Molecular consequence: missense variant.
Genome position (GRCh38, 1-based): chr2:69,327,007, C>G on the plus strand (G>C on the coding strand, the complement: GFPT1 is on the minus strand). VCF-style: chr2-69327007-C-G. GRCh37 (hg19) VCF-style: chr2-69554139-C-G.
Other names: c.1908G>C, p.Lys636Asn (NM_002056.4); short protein forms K636N, K654N.
Identifiers: ClinVar variation 473131 (VCV000473131.10), dbSNP rs368208403, ClinGen allele CA49444945.